The following is an entry in ClinVar:

ClinVar aggregate classification (germline): Uncertain significance (1 of 4 stars; one submission).

Conditions:
Neuropathy, hereditary sensory and autonomic, type 2A (HSAN2A). Also called: HSAN IIA; ACROOSTEOLYSIS, GIACCAI TYPE; ACROOSTEOLYSIS, NEUROGENIC; WNK1-Related HSAN2 (HSAN2A); MORVAN DISEASE; NEUROPATHY, CONGENITAL SENSORY. Identifiers: Orphanet 970, MedGen C2752089, MONDO:0024309, OMIM 201300.
Generalized epilepsy with febrile seizures plus, type 7 (GEFSP7). Also called: GEFS+, TYPE 7. Identifiers: Orphanet 36387, MedGen C2751778, MONDO:0013470, OMIM 613863.

Allele frequency attached by ClinVar (database versions not stated): gnomAD exomes below 0.00001.
gnomAD v4.1: 3 of 1,613,212 alleles (0.00019%); highest among the groups gnomAD compares: Non-Finnish European, 0.00025%; no homozygotes.

Submission:

Labcorp Genetics (formerly Invitae), Labcorp
Classification: Uncertain significance for Neuropathy, hereditary sensory and autonomic, type 2A; Generalized epilepsy with febrile seizures plus, type 7. Last evaluated: 2018-03-15. Review status: criteria provided, single submitter. Criteria: Invitae Variant Classification Sherloc (09022015). Collection method: clinical testing. Allele origin: germline.
Comment: This sequence change replaces lysine with arginine at codon 1934 of the SCN9A protein (p.Lys1934Arg). The lysine residue is moderately conserved and there is a small physicochemical difference between lysine and arginine. This variant is not present in population databases (ExAC no frequency). This variant has not been reported in the literature in individuals with SCN9A-related disease. Algorithms developed to predict the effect of missense changes on protein structure and function do not agree on the potential impact of this missense change (SIFT: "Tolerated"; PolyPhen-2: "Possibly Damaging"; Align-GVGD: "Class C0"). In summary, the available evidence is currently insufficient to determine the role of this variant in disease. Therefore, it has been classified as a Variant of Uncertain Significance.

NM_001365536.1(SCN9A):c.5834A>G (p.Lys1945Arg)

Genes: SCN9A (sodium voltage-gated channel alpha subunit 9; minus strand), SCN1A-AS1 (SCN1A and SCN9A antisense RNA 1; plus strand). Cytogenetic location: 2q24.3.
Variant type: single nucleotide variant.
Coding change: c.5834A>G on transcript NM_001365536.1 (MANE Select); coding-DNA position 5834, A replaced by G.
Protein change: p.Lys1945Arg; replaces lysine 1945 with arginine.
Molecular consequence: missense variant.
Genome position (GRCh38, 1-based): chr2:166,198,805, T>C on the plus strand (A>G on the coding strand, the complement: SCN9A is on the minus strand). VCF-style: chr2-166198805-T-C. GRCh37 (hg19) VCF-style: chr2-167055315-T-C.
Other names: c.5801A>G, p.Lys1934Arg (NM_002977.4); short protein forms K1934R, K1945R.
Identifiers: ClinVar variation 575920 (VCV000575920.9), dbSNP rs1558938578, ClinGen allele CA349051389.